The following is an entry in ClinVar:

NM_000448.3(RAG1):c.592A>C (p.Arg198=)

Gene: RAG1 (recombination activating 1; plus strand). Cytogenetic location: 11p12.
Variant type: single nucleotide variant.
Coding change: c.592A>C on transcript NM_000448.3 (MANE Select); coding-DNA position 592, A replaced by C.
Protein change: p.Arg198=; no amino-acid change (arginine 198 retained).
Molecular consequence: synonymous variant.
Genome position (GRCh38, 1-based): chr11:36,573,896, A>C. VCF-style: chr11-36573896-A-C. GRCh37 (hg19) VCF-style: chr11-36595446-A-C.
Other names: c.592A>C, p.Arg198= (NM_001377277.1, NM_001377278.1, NM_001377279.1 and 1 more transcripts).
Identifiers: ClinVar variation 304496 (VCV000304496.14), dbSNP rs746425890, ClinGen allele CA5950014.

ClinVar aggregate classification (germline): Conflicting classifications of pathogenicity. Review status: criteria provided, conflicting classifications (1 of 4 stars). 4 submissions from 3 submitters: Uncertain significance (2); Likely benign (1). 1 of the submissions does not count toward it. Last evaluated 2024-07-17.

Conditions:
Histiocytic medullary reticulosis. Also called: SEVERE COMBINED IMMUNODEFICIENCY WITH HYPEREOSINOPHILIA; Omenn syndrome. Identifiers: Orphanet 39041, MedGen C2700553, MONDO:0011338, OMIM 603554.
Severe combined immunodeficiency, autosomal recessive, T cell-negative, B cell-negative, NK cell-positive. Also called: Severe combined immunodeficiency due to complete RAG1/2 deficiency; SCID, AR, T-cell negative, B-cell negative, NK cell-positive; SCID, T CELL-NEGATIVE, B CELL-NEGATIVE, NK CELL-POSITIVE. Identifiers: Orphanet 331206, MedGen C1832322, MONDO:0011086, OMIM 601457.
RAG1-related disorder. Also called: RAG1-related disorders; RAG1-related condition.
Combined immunodeficiency with skin granulomas. Identifiers: Orphanet 157949, MedGen C2673536, MONDO:0009306, OMIM 233650.

Allele frequency attached by ClinVar (database versions not stated): ExAC 0.00001; gnomAD exomes 0.00002 and 0.00003; TOPMed 0.00002; gnomAD 0.00003.
gnomAD v4.1: 51 of 1,613,972 alleles (0.0032%); highest among the groups gnomAD compares: Non-Finnish European, 0.0042%; no homozygotes.

Submissions (4):

Labcorp Genetics (formerly Invitae), Labcorp
Classification: Likely benign for Combined immunodeficiency with skin granulomas; Severe combined immunodeficiency, autosomal recessive, T cell-negative, B cell-negative, NK cell-positive. Last evaluated: 2024-07-17. Review status: criteria provided, single submitter. Criteria: Invitae Variant Classification Sherloc (09022015). Collection method: clinical testing. Allele origin: germline.

Illumina Laboratory Services, Illumina
Classification: Uncertain significance for Severe combined immunodeficiency, autosomal recessive, T cell-negative, B cell-negative, NK cell-positive. Last evaluated: 2018-01-12. Review status: criteria provided, single submitter. Criteria: ICSL Variant Classification Criteria 13 December 2019. Collection method: clinical testing. Allele origin: germline.

Illumina Laboratory Services, Illumina
Classification: Uncertain significance for Histiocytic medullary reticulosis. Last evaluated: 2018-01-12. Review status: criteria provided, single submitter. Criteria: ICSL Variant Classification Criteria 13 December 2019. Collection method: clinical testing. Allele origin: germline.

PreventionGenetics, part of Exact Sciences
Classification: Likely benign for RAG1-related condition. Last evaluated: 2020-03-02. Review status: no assertion criteria provided. Collection method: clinical testing. Allele origin: germline. Not counted in ClinVar's aggregate classification.
Comment: This variant is classified as likely benign based on ACMG/AMP sequence variant interpretation guidelines (Richards et al. 2015 PMID: 25741868, with internal and published modifications).